The following is an entry in ClinVar:

ClinVar aggregate classification (germline): Uncertain significance (1 of 4 stars; one submission).

Conditions:
Epilepsy, familial focal, with variable foci 3 (FFEVF3). Identifiers: MedGen C4310708, MONDO:0014925, OMIM 617118.

Submission:

Labcorp Genetics (formerly Invitae), Labcorp
Classification: Uncertain significance for Epilepsy, familial focal, with variable foci 3. Last evaluated: 2023-08-04. Review status: criteria provided, single submitter. Criteria: Invitae Variant Classification Sherloc (09022015). Collection method: clinical testing. Allele origin: germline.
Comment: This variant has not been reported in the literature in individuals affected with NPRL3-related conditions. Advanced modeling of protein sequence and biophysical properties (such as structural, functional, and spatial information, amino acid conservation, physicochemical variation, residue mobility, and thermodynamic stability) performed at Invitae indicates that this missense variant is expected to disrupt NPRL3 protein function. In summary, the available evidence is currently insufficient to determine the role of this variant in disease. Therefore, it has been classified as a Variant of Uncertain Significance. This sequence change replaces leucine, which is neutral and non-polar, with arginine, which is basic and polar, at codon 153 of the NPRL3 protein (p.Leu153Arg). This variant is not present in population databases (gnomAD no frequency).

NM_001077350.3(NPRL3):c.458T>G (p.Leu153Arg)

Genes: HBA-LCR (alpha-globin locus control region; plus strand), NPRL3 (NPR3 like, GATOR1 complex subunit; minus strand). Cytogenetic location: 16p13.3.
Variant type: single nucleotide variant.
Coding change: c.458T>G on transcript NM_001077350.3 (MANE Select); coding-DNA position 458, T replaced by G.
Protein change: p.Leu153Arg; replaces leucine 153 with arginine.
Molecular consequence: missense variant. On other transcripts: 5 prime UTR variant (1).
Genome position (GRCh38, 1-based): chr16:112,711, A>C on the plus strand (T>G on the coding strand, the complement: NPRL3 is on the minus strand). VCF-style: chr16-112711-A-C. GRCh37 (hg19) VCF-style: chr16-162710-A-C.
Other names: c.-80T>G (NM_001039476.3); c.224T>G, p.Leu75Arg (NM_001243247.2); c.383T>G, p.Leu128Arg (NM_001243248.2, NM_001243249.2); short protein forms L153R, L75R, L128R.
Identifiers: ClinVar variation 2811369 (VCV002811369.3), dbSNP rs2542856272, ClinGen allele CA393993948.